The following is an entry in ClinVar:

ClinVar aggregate classification (germline): Uncertain significance (1 of 4 stars; one submission).

Submission:

Labcorp Genetics (formerly Invitae), Labcorp
Classification: Uncertain significance. Last evaluated: 2019-04-30. Review status: criteria provided, single submitter. Criteria: Invitae Variant Classification Sherloc (09022015). Collection method: clinical testing. Allele origin: germline.
Comment: This sequence change replaces threonine with proline at codon 256 of the PHEX protein (p.Thr256Pro). The threonine residue is moderately conserved and there is a small physicochemical difference between threonine and proline. In summary, the available evidence is currently insufficient to determine the role of this variant in disease. Therefore, it has been classified as a Variant of Uncertain Significance. Algorithms developed to predict the effect of missense changes on protein structure and function are either unavailable or do not agree on the potential impact of this missense change (SIFT: "Deleterious"; PolyPhen-2: "Possibly Damaging"; Align-GVGD: "Class C0"). This variant has not been reported in the literature in individuals with PHEX-related conditions. This variant is not present in population databases (ExAC no frequency).

NM_000444.6(PHEX):c.766A>C (p.Thr256Pro)

Gene: PHEX (phosphate regulating endopeptidase X-linked; plus strand). Cytogenetic location: Xp22.11.
Variant type: single nucleotide variant.
Coding change: c.766A>C on transcript NM_000444.6 (MANE Select); coding-DNA position 766, A replaced by C.
Protein change: p.Thr256Pro; replaces threonine 256 with proline.
Molecular consequence: missense variant.
Genome position (GRCh38, 1-based): chrX:22,094,016, A>C. VCF-style: chrX-22094016-A-C. GRCh37 (hg19) VCF-style: chrX-22112134-A-C.
Other names: c.766A>C, p.Thr256Pro (NM_001282754.2); short protein forms T256P.
Identifiers: ClinVar variation 951801 (VCV000951801.9), dbSNP rs1930020278, ClinGen allele CA412572329.